The following is an entry in ClinVar:

ClinVar aggregate classification (germline): Uncertain significance (1 of 4 stars; one submission).

Conditions:
Hereditary cancer-predisposing syndrome. Also called: Tumor predisposition; Neoplastic Syndromes, Hereditary; Hereditary Cancer Syndrome; Hereditary neoplastic syndrome. Identifiers: Orphanet 140162, MedGen C0027672, MeSH D009386, MONDO:0015356.

Submission:

Ambry Genetics
Classification: Uncertain significance for Hereditary cancer-predisposing syndrome. Last evaluated: 2025-01-17. Review status: criteria provided, single submitter. Criteria: Ambry Variant Classification Scheme 2023. Collection method: clinical testing. Allele origin: germline.
Comment: The p.K423E variant (also known as c.1267A>G), located in coding exon 10 of the NBN gene, results from an A to G substitution at nucleotide position 1267. The lysine at codon 423 is replaced by glutamic acid, an amino acid with similar properties. This amino acid position is conserved. In addition, this alteration is predicted to be tolerated by in silico analysis. Based on the available evidence, the clinical significance of this variant remains unclear.

NM_002485.5(NBN):c.1267A>G (p.Lys423Glu)

Gene: NBN (nibrin; minus strand). Cytogenetic location: 8q21.3.
Variant type: single nucleotide variant.
Coding change: c.1267A>G on transcript NM_002485.5 (MANE Select); coding-DNA position 1267, A replaced by G.
Protein change: p.Lys423Glu; replaces lysine 423 with glutamic acid.
Molecular consequence: missense variant.
Genome position (GRCh38, 1-based): chr8:89,955,413, T>C on the plus strand (A>G on the coding strand, the complement: NBN is on the minus strand). VCF-style: chr8-89955413-T-C. GRCh37 (hg19) VCF-style: chr8-90967641-T-C.
Other names: c.1021A>G, p.Lys341Glu (NM_001024688.3); short protein forms K423E, K341E.
Identifiers: ClinVar variation 3877897 (VCV003877897.1).